The following is an entry in ClinVar:

ClinVar aggregate classification (germline): Conflicting classifications of pathogenicity. Review status: criteria provided, conflicting classifications (1 of 4 stars). 17 submissions from 16 submitters: Likely pathogenic (1); Uncertain significance (14). 2 of the submissions do not count toward it. Last evaluated 2026-04-18.

Conditions:
WFS1-related disorder. Identifiers: MedGen CN379391, MONDO:0700293.
WFS1-Related Spectrum Disorders.
Inborn genetic diseases. Identifiers: MedGen C0950123, MeSH D030342.
Wolfram-like syndrome. Also called: HEARING LOSS, PROGRESSIVE, WITH OPTIC ATROPHY AND/OR IMPAIRED GLUCOSE REGULATION. Identifiers: Orphanet 411590, MedGen C3280358, MONDO:0013673, OMIM 614296.
Type 2 diabetes mellitus. Also called: Type II diabetes mellitus. Identifiers: MedGen C0011860, MeSH D003924, MONDO:0005148, OMIM 125853, HP:0005978.
Wolfram syndrome 1 (WFS1). Identifiers: Orphanet 3463, MedGen C4551693, MONDO:0009101, OMIM 222300.
Cataract 41 (CTRCT41). Also called: CATARACT 41, CONGENITAL NUCLEAR TYPE. Identifiers: Orphanet 91492, Orphanet 98991, Orphanet 98992, Orphanet 98995, MedGen C3805412, MONDO:0007287, OMIM 116400.
Autosomal dominant nonsyndromic hearing loss 6 (LFSNHL). Also called: DEAFNESS, AUTOSOMAL DOMINANT 6; DEAFNESS, AUTOSOMAL DOMINANT 14; DEAFNESS, AUTOSOMAL DOMINANT 38; Autosomal dominant nonsyndromic deafness 6. Identifiers: Orphanet 90635, MedGen C1833021, MONDO:0010963, OMIM 600965.
Autistic behavior. Identifiers: MedGen C0856975, HP:0000729.

Allele frequency attached by ClinVar (database versions not stated): ExAC 0.00008; ESP Exome Variant Server 0.00008; gnomAD 0.00010; TOPMed 0.00014.
gnomAD v4.1: 124 of 1,613,028 alleles (0.0077%); highest among the groups gnomAD compares: Middle Eastern, 0.049%; no homozygotes.

Submissions 1 to 9 of 17:

PreventionGenetics, part of Exact Sciences
Classification: Uncertain significance for WFS1-related condition. Last evaluated: 2026-04-18. Review status: criteria provided, single submitter. Criteria: ACMG Guidelines, 2015. Collection method: clinical testing. Allele origin: germline.
Comment: The WFS1 c.2603G>A variant is predicted to result in the amino acid substitution p.Arg868His. This variant has been reported in individuals with hearing loss or congenital cataracts, many of whom also carried WFS1 c.1820C>T (Sloan-Heggen et al. 2016. PubMed ID: 26969326; Supplementary Table S3, Li et al. 2023. PubMed ID: 36729443; Table S2, Ma et al. 2023. PubMed ID: 36597107). The phase of the variants was unclear in most reports; however, an individual diagnosed with Wolfram syndrome was homozygous for both c.2603G>A and c.1820C>T, and the parents were confirmed to carry both variants in the heterozygous state (Tang et al. 2023. PubMed ID: 37719678). The c.2603G>A and c.1820C>T variants together were also reported in presumably healthy control individuals (Table S3, Ma et al. 2023. PubMed ID: 36597107). Review of gnomAD co-occurrence data indicates these variants are not part of the same haplotype. This variant has also been described in individuals with congenital cataracts who did not carry a second variant (Fan et al. 2020. PubMed ID: 32883240; Türkyılmaz et al. 2023. PubMed ID: 37592116). This variant is reported in 0.020% of alleles in individuals of South Asian descent in gnomAD. At this time, the clinical significance of this variant is uncertain due to the absence of conclusive functional and genetic evidence.

Labcorp Genetics (formerly Invitae), Labcorp
Classification: Uncertain significance. Last evaluated: 2025-12-10. Review status: criteria provided, single submitter. Criteria: Invitae Variant Classification Sherloc (09022015). Collection method: clinical testing. Allele origin: germline.
Comment: This sequence change replaces arginine, which is basic and polar, with histidine, which is basic and polar, at codon 868 of the WFS1 protein (p.Arg868His). This variant is present in population databases (rs56393026, gnomAD 0.02%). This missense change has been observed in individual(s) with clinical features of WFS1-related conditions (PMID: 26969326, 32883240, 36597107, 36729443). ClinVar contains an entry for this variant (Variation ID: 215403). Invitae Evidence Modeling of protein sequence and biophysical properties (such as structural, functional, and spatial information, amino acid conservation, physicochemical variation, residue mobility, and thermodynamic stability) has been performed for this missense variant. However, the output from this modeling did not meet the statistical confidence thresholds required to predict the impact of this variant on WFS1 protein function. In summary, the available evidence is currently insufficient to determine the role of this variant in disease. Therefore, it has been classified as a Variant of Uncertain Significance.

Genomic Medicine Center of Excellence, King Faisal Specialist Hospital and Research Centre
Classification: Uncertain significance for Wolfram syndrome 1. Last evaluated: 2025-09-10. Review status: criteria provided, single submitter. Criteria: ACMG Guidelines, 2015. Collection method: clinical testing. Allele origin: germline.

GeneDx
Classification: Uncertain significance. Last evaluated: 2025-06-12. Review status: criteria provided, single submitter. Criteria: GeneDx Variant Classification Process June 2021. Collection method: clinical testing. Allele origin: germline. Affected: yes.
Comment: Identified in patients with hearing loss or congenital cataracts in published literature; patients were also heterozygous for WFS1 p.(P607L); it is unknown if the two variants are on the same allele (in cis) or on opposite alleles (in trans) (PMID: 36729443, 26969326, 36597107); Identified as a single heterozygous variant in patients with congenital cataracts in published literature (PMID: 32883240, 37592116, 37337769); In silico analysis supports that this missense variant has a deleterious effect on protein structure/function; This variant is associated with the following publications: (PMID: 34426522, Turkyilmaz2021[article], 36597107, 37592116, 26969326, 36208030, 37337769, 32883240, 36729443, 37719678)

Blueprint Genetics
Classification: Uncertain significance. Last evaluated: 2024-11-19. Review status: criteria provided, single submitter. Criteria: ACMG Guidelines, 2015. Collection method: clinical testing. Allele origin: germline.

Women's Health and Genetics/Laboratory Corporation of America, LabCorp
Classification: Uncertain significance. Last evaluated: 2024-09-25. Review status: criteria provided, single submitter. Criteria: LabCorp Variant Classification Summary - May 2015. Collection method: clinical testing. Allele origin: germline.
Comment: Variant summary: WFS1 c.2603G>A (p.Arg868His) results in a non-conservative amino acid change located in the Wolframin, OB-fold domain (IPR045461) of the encoded protein sequence. Five of five in-silico tools predict a damaging effect of the variant on protein function. The variant allele was found at a frequency of 9.2e-05 in 250092 control chromosomes, predominantly at a frequency of 0.0002 within the South Asian subpopulation in the gnomAD database. The available data on variant occurrences in the general population are insufficient to allow any conclusion about variant significance. c.2603G>A has been reported in the literature in individuals affected with nonsyndromic hearing loss and congenital cataract, without strong evidence for causality (Billings_2022, Fan_2020, Liu_2023, Ma_2023, Sloan-Heggen_2016). These report(s) do not provide unequivocal conclusions about association of the variant with Wolfram Syndrome 1. To our knowledge, no experimental evidence demonstrating an impact on protein function has been reported. The following publications have been ascertained in the context of this evaluation (PMID: 36208030, 32883240, 37337769, 36597107, 26969326). ClinVar contains an entry for this variant (Variation ID: 215403). Based on the evidence outlined above, the variant was classified as uncertain significance.

Ambry Genetics
Classification: Uncertain significance for Inborn genetic diseases. Last evaluated: 2024-07-18. Review status: criteria provided, single submitter. Criteria: Ambry Variant Classification Scheme 2023. Collection method: clinical testing. Allele origin: germline.
Comment: Unlikely to be causative of Wolfram-like syndrome (AD) Based on insufficient or conflicting evidence, the clinical significance of this alteration remains unclear.

Fulgent Genetics
Classification: Likely pathogenic for Cataract 41; Type 2 diabetes mellitus; Wolfram syndrome 1; Autosomal dominant nonsyndromic hearing loss 6; Wolfram-like syndrome. Last evaluated: 2024-02-20. Review status: criteria provided, single submitter. Criteria: ACMG Guidelines, 2015. Collection method: clinical testing. Allele origin: germline.

CeGaT Center for Human Genetics Tuebingen
Classification: Uncertain significance. Last evaluated: 2023-11-01. Review status: criteria provided, single submitter. Criteria: CeGaT Center For Human Genetics Tuebingen Variant Classification Criteria Version 2. Collection method: clinical testing. Allele origin: germline. Affected: yes. Observed: 1 variant allele.
Comment: WFS1: PM5:Supporting, PS4:Supporting

NM_006005.3(WFS1):c.2603G>A (p.Arg868His)

Gene: WFS1 (wolframin ER transmembrane glycoprotein; plus strand). Cytogenetic location: 4p16.1.
Variant type: single nucleotide variant.
Coding change: c.2603G>A on transcript NM_006005.3 (MANE Select); coding-DNA position 2603, G replaced by A.
Protein change: p.Arg868His; replaces arginine 868 with histidine.
Molecular consequence: missense variant.
Genome position (GRCh38, 1-based): chr4:6,302,398, G>A. VCF-style: chr4-6302398-G-A. GRCh37 (hg19) VCF-style: chr4-6304125-G-A.
Other names: p.R868H:CGC>CAC; c.2603G>A, p.Arg868His (NM_001145853.1); short protein forms R868H.
Identifiers: ClinVar variation 215403 (VCV000215403.68), dbSNP rs56393026, ClinGen allele CA324220.